The following is an entry in ClinVar:

ClinVar aggregate classification (germline): Uncertain significance (1 of 4 stars; one submission).

Conditions:
Hereditary cancer-predisposing syndrome. Also called: Neoplastic Syndromes, Hereditary; Tumor predisposition; Hereditary neoplastic syndrome; Hereditary Cancer Syndrome. Identifiers: Orphanet 140162, MedGen C0027672, MeSH D009386, MONDO:0015356.

Submission:

Ambry Genetics
Classification: Uncertain significance for Hereditary cancer-predisposing syndrome. Last evaluated: 2022-12-12. Review status: criteria provided, single submitter. Criteria: Ambry Variant Classification Scheme 2023. Collection method: clinical testing. Allele origin: germline.
Comment: The c.5007+5G>T intronic variant results from a G to T substitution 5 nucleotides after coding exon 34 in the SMARCA4 gene. This nucleotide position is not well conserved in available vertebrate species. In silico splice site analysis for this alteration is inconclusive. Since supporting evidence is limited at this time, the clinical significance of this alteration remains unclear.

NM_003072.5(SMARCA4):c.4911+5G>T

Gene: SMARCA4 (SWI/SNF related BAF chromatin remodeling complex subunit ATPase 4; plus strand). Cytogenetic location: 19p13.2.
Variant type: single nucleotide variant.
Coding change: c.4911+5G>T on transcript NM_003072.5 (MANE Select); 5 bases into the intron after coding-DNA position 4911, G replaced by T.
Molecular consequence: intron variant.
Genome position (GRCh38, 1-based): chr19:11,060,192, G>T. VCF-style: chr19-11060192-G-T. GRCh37 (hg19) VCF-style: chr19-11170868-G-T.
Other names: c.4911+5G>T (NM_001128844.3); c.5007+5G>T (NM_001128849.3, NM_001387283.1); c.4812+5G>T (NM_001128847.4, NM_001374457.1); c.4908+5G>T (NM_001411150.1); c.4821+5G>T (NM_001128845.2); c.4818+5G>T (NM_001128846.2); c.4809+5G>T (NM_001128848.2).
Identifiers: ClinVar variation 2452851 (VCV002452851.2), dbSNP rs534705500, ClinGen allele CA2580096395.
Genomic context (GRCh38, chr19:11,060,192, plus strand): 5'-GGTCCCGAGCCAAGCCGGTCGTGAGTGACGATGACAGTGAGGAGGAACAAGAGGAGGTGA[G>T]GCCGGGCCCCCGAGCAGGCAGAGCTGGCATGTGGCAGGAGGCATCCCGGGGCCCTGATGG-3'